The following is an entry in ClinVar:

NM_002474.3(MYH11):c.1773G>A (p.Trp591Ter)

Gene: MYH11 (myosin heavy chain 11; minus strand). Cytogenetic location: 16p13.11.
Variant type: single nucleotide variant.
Coding change: c.1773G>A on transcript NM_002474.3 (MANE Select); coding-DNA position 1773, G replaced by A.
Protein change: p.Trp591Ter; replaces tryptophan 591 with a stop codon.
Molecular consequence: nonsense.
Genome position (GRCh38, 1-based): chr16:15,753,485, C>T on the plus strand (G>A on the coding strand, the complement: MYH11 is on the minus strand). VCF-style: chr16-15753485-C-T. GRCh37 (hg19) VCF-style: chr16-15847342-C-T.
Other names: c.1773G>A, p.Trp591Ter (NM_022844.3); c.1794G>A, p.Trp598Ter (NM_001040113.2, NM_001040114.2); short protein forms W591*, W598*.
Identifiers: ClinVar variation 3069476 (VCV003069476.1), dbSNP rs2506328826, ClinGen allele CA394869690.

ClinVar aggregate classification (germline): Uncertain significance (1 of 4 stars; one submission).

Conditions:
Familial thoracic aortic aneurysm and aortic dissection (TAAD). Also called: Thoracic aortic aneurysms and dissections. Identifiers: Orphanet 91387, MedGen C4707243, MONDO:0019625.

Submission:

All of Us Research Program, National Institutes of Health
Classification: Uncertain significance for Familial thoracic aortic aneurysm and aortic dissection. Last evaluated: 2023-02-24. Review status: criteria provided, single submitter. Criteria: ACMG Guidelines, 2015. Collection method: clinical testing. Allele origin: germline. Inheritance: Autosomal dominant inheritance. Observed: 1 variant allele, 1 heterozygote.
Comment: This variant changes 1 nucleotide in exon 16 of the MYH11 gene, creating a premature translation stop signal. This variant is expected to result in an absent or non-functional protein product. To our knowledge, this variant has not been reported in individuals affected with cardiovascular disorders in the literature. This variant has not been identified in the general population by the Genome Aggregation Database (gnomAD). The role of loss-of-function MYH11 truncation and splice variants in autosomal dominant cardiovascular disorders is not clearly established. The available evidence is insufficient to determine the role of this variant in disease conclusively. Therefore, this variant is classified as a Variant of Uncertain Significance.

This study involves interpretation of variants in research participants for the purpose of population health screening. Participant phenotype was not available at the time of variant classification. Additional details can be found in publication PMID: 35346344, PMCID: PMC8962531